The following is an entry in ClinVar:

ClinVar aggregate classification (germline): Uncertain significance. Review status: criteria provided, multiple submitters, no conflicts (2 of 4 stars). 4 submissions from 4 submitters: Uncertain significance (4). Last evaluated 2025-08-06.

Conditions:
Loeys-Dietz syndrome (LDS). Identifiers: Orphanet 60030, MedGen C2697932, MONDO:0018954.
Familial thoracic aortic aneurysm and aortic dissection (TAAD). Also called: Thoracic aortic aneurysms and dissections. Identifiers: Orphanet 91387, MedGen C4707243, MONDO:0019625.

Allele frequency attached by ClinVar (database versions not stated): gnomAD below 0.00001 and 0.00001; TOPMed below 0.00001; ExAC 0.00001; gnomAD exomes 0.00001.

Submissions (4):

Labcorp Genetics (formerly Invitae), Labcorp
Classification: Uncertain significance for Familial thoracic aortic aneurysm and aortic dissection. Last evaluated: 2025-08-06. Review status: criteria provided, single submitter. Criteria: Invitae Variant Classification Sherloc (09022015). Collection method: clinical testing. Allele origin: germline.
Comment: This sequence change replaces asparagine, which is neutral and polar, with serine, which is neutral and polar, at codon 270 of the TGFBR1 protein (p.Asn270Ser). This variant is present in population databases (rs201475375, gnomAD 0.004%). This missense change has been observed in individual(s) with clinical features of TGFBR1-related conditions (internal data). ClinVar contains an entry for this variant (Variation ID: 520220). Invitae Evidence Modeling of protein sequence and biophysical properties (such as structural, functional, and spatial information, amino acid conservation, physicochemical variation, residue mobility, and thermodynamic stability) indicates that this missense variant is not expected to disrupt TGFBR1 protein function with a negative predictive value of 80%. In summary, the available evidence is currently insufficient to determine the role of this variant in disease. Therefore, it has been classified as a Variant of Uncertain Significance.

Ambry Genetics
Classification: Uncertain significance for Familial thoracic aortic aneurysm and aortic dissection. Last evaluated: 2025-07-28. Review status: criteria provided, single submitter. Criteria: Ambry Variant Classification Scheme 2023. Collection method: clinical testing. Allele origin: germline.
Comment: The p.N270S variant (also known as c.809A>G), located in coding exon 5 of the TGFBR1 gene, results from an A to G substitution at nucleotide position 809. The asparagine at codon 270 is replaced by serine, an amino acid with highly similar properties. This amino acid position is highly conserved in available vertebrate species. In addition, the in silico prediction for this alteration is inconclusive. Since supporting evidence is limited at this time, the clinical significance of this variant remains unclear.

All of Us Research Program, National Institutes of Health
Classification: Uncertain significance for Loeys-Dietz syndrome. Last evaluated: 2024-08-13. Review status: criteria provided, single submitter. Criteria: ACMG Guidelines, 2015. Collection method: clinical testing. Allele origin: germline. Inheritance: Autosomal dominant inheritance. Observed: 3 variant alleles, 3 heterozygotes.
Comment: This missense variant replaces asparagine with serine at codon 270 of the TGFBR1 protein. Computational prediction suggests that this variant may not impact protein structure and function (internally defined REVEL score threshold <= 0.5, PMID: 27666373). To our knowledge, functional studies have not been reported for this variant. This variant has not been reported in individuals affected with TGFBR1-related disorders in the literature. This variant has been identified in 2/251280 chromosomes in the general population by the Genome Aggregation Database (gnomAD). The available evidence is insufficient to determine the role of this variant in disease conclusively. Therefore, this variant is classified as a Variant of Uncertain Significance.

This study involves interpretation of variants in research participants for the purpose of population health screening. Participant phenotype was not available at the time of variant classification. Additional details can be found in publication PMID: 35346344, PMCID: PMC8962531

GeneDx
Classification: Uncertain significance. Last evaluated: 2024-07-25. Review status: criteria provided, single submitter. Criteria: GeneDx Variant Classification Process June 2021. Collection method: clinical testing. Allele origin: germline. Affected: yes.
Comment: Not observed at significant frequency in large population cohorts (gnomAD); In silico analysis supports that this missense variant has a deleterious effect on protein structure/function; Has not been previously published as pathogenic or benign to our knowledge

NM_004612.4(TGFBR1):c.809A>G (p.Asn270Ser)

Gene: TGFBR1 (transforming growth factor beta receptor 1; plus strand). Cytogenetic location: 9q22.33.
Variant type: single nucleotide variant.
Coding change: c.809A>G on transcript NM_004612.4 (MANE Select); coding-DNA position 809, A replaced by G.
Protein change: p.Asn270Ser; replaces asparagine 270 with serine.
Molecular consequence: missense variant.
Genome position (GRCh38, 1-based): chr9:99,142,539, A>G. VCF-style: chr9-99142539-A-G. GRCh37 (hg19) VCF-style: chr9-101904821-A-G.
Other names: c.578A>G, p.Asn193Ser (NM_001130916.3); c.821A>G, p.Asn274Ser (NM_001306210.2); short protein forms N270S, N193S, N274S.
Identifiers: ClinVar variation 520220 (VCV000520220.16), dbSNP rs201475375, ClinGen allele CA043182.